The following is an entry in ClinVar:

NM_032482.3(DOT1L):c.1705_1707del (p.Lys569del)

Genes: DOT1L (DOT1 like histone lysine methyltransferase; plus strand), DOT1L-AS1 (DOT1L antisense RNA 1; minus strand). Cytogenetic location: 19p13.3.
Variant type: Deletion.
Coding change: c.1705_1707del on transcript NM_032482.3 (MANE Select); coding-DNA positions 1705 to 1707, 3 bases deleted (AAG; older notation c.1705_1707delAAG).
Protein change: p.Lys569del; deletes lysine 569.
Molecular consequence: inframe deletion.
Genome position (GRCh38, 1-based): chr19:2,213,894-2,213,896, AAG deleted; deleting any 3 consecutive bases within chr19:2,213,892-2,213,896 gives the same sequence; the c. name uses the placement nearest the transcript's 3' end. VCF-style (leftmost placement, unchanged base first): chr19-2213891-CAGA-C. GRCh37 (hg19) VCF-style: chr19-2213890-CAGA-C.
Other names: c.1705_1707del, p.Lys569del (NM_001411141.1); short protein forms K569del.
Identifiers: ClinVar variation 4282211 (VCV004282211.1).

ClinVar aggregate classification (germline): Uncertain significance (1 of 4 stars; one submission).

Submission:

GeneDx
Classification: Uncertain significance. Last evaluated: 2025-04-15. Review status: criteria provided, single submitter. Criteria: GeneDx Variant Classification Process June 2021. Collection method: clinical testing. Allele origin: germline. Affected: yes.
Comment: Not observed at significant frequency in large population cohorts (gnomAD); In-frame deletion of 1 amino acid in a non-repeat region; In silico analysis supports a deleterious effect on protein structure/function; Has not been previously published as pathogenic or benign to our knowledge